The following is an entry in ClinVar:

ClinVar aggregate classification (germline): Uncertain significance (1 of 4 stars; one submission).

Conditions:
3-methylglutaconic aciduria, type VIIB (MGCA7B). Also called: CLPB Deficiency; 3-methylglutaconic aciduria with cataracts, neurologic involvement and neutropenia; 3-methylglutaconic aciduria, type VII, with cataracts, neurologic involvement and neutropenia. Identifiers: Orphanet 445038, MedGen C5676893, MONDO:0014561, OMIM 616271.

gnomAD v4.1: 1 of 1,614,202 alleles (0.000062%); highest among the groups gnomAD compares: South Asian, 0.0011%; no homozygotes.

Submission:

Labcorp Genetics (formerly Invitae), Labcorp
Classification: Uncertain significance for 3-methylglutaconic aciduria, type VIIB. Last evaluated: 2024-02-17. Review status: criteria provided, single submitter. Criteria: Invitae Variant Classification Sherloc (09022015). Collection method: clinical testing. Allele origin: germline.
Comment: This sequence change replaces glutamic acid, which is acidic and polar, with aspartic acid, which is acidic and polar, at codon 501 of the CLPB protein (p.Glu501Asp). This variant is present in population databases (no rsID available, gnomAD 0.003%). This variant has not been reported in the literature in individuals affected with CLPB-related conditions. ClinVar contains an entry for this variant (Variation ID: 1370759). An algorithm developed to predict the effect of missense changes on protein structure and function (PolyPhen-2) suggests that this variant is likely to be disruptive. In summary, the available evidence is currently insufficient to determine the role of this variant in disease. Therefore, it has been classified as a Variant of Uncertain Significance.

NM_001258392.3(CLPB):c.1413G>C (p.Glu471Asp)

Gene: CLPB (ClpB family mitochondrial disaggregase; minus strand). Cytogenetic location: 11q13.4.
Variant type: single nucleotide variant.
Coding change: c.1413G>C on transcript NM_001258392.3 (MANE Select); coding-DNA position 1413, G replaced by C.
Protein change: p.Glu471Asp; replaces glutamic acid 471 with aspartic acid.
Molecular consequence: missense variant.
Genome position (GRCh38, 1-based): chr11:72,295,565, C>G on the plus strand (G>C on the coding strand, the complement: CLPB is on the minus strand). VCF-style: chr11-72295565-C-G. GRCh37 (hg19) VCF-style: chr11-72006609-C-G.
Other names: c.1326G>C, p.Glu442Asp (NM_001258393.3); c.1368G>C, p.Glu456Asp (NM_001258394.3); c.1503G>C, p.Glu501Asp (NM_030813.6); short protein forms E442D, E456D, E471D, E501D.
Identifiers: ClinVar variation 1370759 (VCV001370759.8), dbSNP rs780612425, ClinGen allele CA381728609.